The following is an entry in ClinVar:

NM_015375.3(DSTYK):c.1253A>C (p.Asp418Ala)

Gene: DSTYK (dual serine/threonine and tyrosine protein kinase; minus strand). Cytogenetic location: 1q32.1.
Variant type: single nucleotide variant.
Coding change: c.1253A>C on transcript NM_015375.3 (MANE Select); coding-DNA position 1253, A replaced by C.
Protein change: p.Asp418Ala; replaces aspartic acid 418 with alanine.
Molecular consequence: missense variant.
Genome position (GRCh38, 1-based): chr1:205,169,234, T>G on the plus strand (A>C on the coding strand, the complement: DSTYK is on the minus strand). VCF-style: chr1-205169234-T-G. GRCh37 (hg19) VCF-style: chr1-205138362-T-G.
Other names: c.1253A>C, p.Asp418Ala (NM_199462.3); c.1253A>C (NM_015375.2); short protein forms D418A.
Identifiers: ClinVar variation 1414571 (VCV001414571.7), dbSNP rs555607162, ClinGen allele CA1352888.

ClinVar aggregate classification (germline): Uncertain significance. Review status: criteria provided, multiple submitters, no conflicts (2 of 4 stars). 2 submissions from 2 submitters: Uncertain significance (2). Last evaluated 2025-08-10.

Allele frequency attached by ClinVar (database versions not stated): ExAC 0.00007; 1000 Genomes Project 30x 0.00016; 1000 Genomes Project 0.00020.
gnomAD v4.1: 81 of 1,614,042 alleles (0.005%); highest among the groups gnomAD compares: South Asian, 0.047%; no homozygotes.

Submissions (2):

Ambry Genetics
Classification: Uncertain significance. Last evaluated: 2025-08-10. Review status: criteria provided, single submitter. Criteria: Ambry Variant Classification Scheme 2023. Collection method: clinical testing. Allele origin: germline.

Labcorp Genetics (formerly Invitae), Labcorp
Classification: Uncertain significance. Last evaluated: 2024-02-17. Review status: criteria provided, single submitter. Criteria: Invitae Variant Classification Sherloc (09022015). Collection method: clinical testing. Allele origin: germline.
Comment: This sequence change replaces aspartic acid, which is acidic and polar, with alanine, which is neutral and non-polar, at codon 418 of the DSTYK protein (p.Asp418Ala). This variant is present in population databases (rs555607162, gnomAD 0.06%), and has an allele count higher than expected for a pathogenic variant. This variant has not been reported in the literature in individuals affected with DSTYK-related conditions. ClinVar contains an entry for this variant (Variation ID: 1414571). An algorithm developed to predict the effect of missense changes on protein structure and function (PolyPhen-2) suggests that this variant is likely to be tolerated. In summary, the available evidence is currently insufficient to determine the role of this variant in disease. Therefore, it has been classified as a Variant of Uncertain Significance.